The following is an entry in ClinVar:

ClinVar aggregate classification (germline): Likely benign (1 of 4 stars; one submission).

Submission:

CeGaT Center for Human Genetics Tuebingen
Classification: Likely benign. Last evaluated: 2026-02-01. Review status: criteria provided, single submitter. Criteria: CeGaT Center For Human Genetics Tuebingen Variant Classification Criteria Version 2. Collection method: clinical testing. Allele origin: germline. Affected: yes. Observed: 1 variant allele.
Comment: ENG: BP4, BP7

NM_001114753.3(ENG):c.*19G>A

Gene: ENG (endoglin; minus strand). Cytogenetic location: 9q34.11.
Variant type: single nucleotide variant.
Coding change: c.*19G>A on transcript NM_001114753.3 (MANE Select); 19 bases downstream of the stop codon, G replaced by A.
Molecular consequence: 3 prime UTR variant.
Genome position (GRCh38, 1-based): chr9:127,815,663, C>T on the plus strand (G>A on the coding strand, the complement: ENG is on the minus strand). VCF-style: chr9-127815663-C-T. GRCh37 (hg19) VCF-style: chr9-130577942-C-T.
Other names: c.*254G>A (NM_000118.4); c.*19G>A (NM_001278138.2).
Identifiers: ClinVar variation 4821864 (VCV004821864.4).
Genomic context (GRCh38, chr9:127,815,663, plus strand): 5'-TCCCAGGGTGAGTTCACACCAGTGCTCCCAGCTGGCGGCTGCTCAGTCTCTCCTGCTGGG[C>T]GAGCGCGGGGGGCCGGGGCTATGCCATGCTGCTGGTGGAGCAGGGGGTGCTCTGGGTGCT-3'